The following is an entry in ClinVar:

NM_206933.4(USH2A):c.6211_6212dup (p.Leu2071fs)

Gene: USH2A (usherin; minus strand). Cytogenetic location: 1q41.
Variant type: Duplication.
Coding change: c.6211_6212dup on transcript NM_206933.4 (MANE Select); coding-DNA positions 6211 to 6212, 2 bases duplicated (TT; older notation c.6211_6212dupTT).
Protein change: p.Leu2071fs; shifts the reading frame from leucine 2071.
Molecular consequence: frameshift variant.
Genome position (GRCh38, 1-based): chr1:216,046,544-216,046,545, AA duplicated on the plus strand (TT on the coding strand, the reverse complement: USH2A is on the minus strand); duplicating any 2 consecutive bases within chr1:216,046,544-216,046,546 gives the same sequence; the c. name uses the placement nearest the transcript's 3' end. VCF-style (leftmost placement, unchanged base first): chr1-216046543-C-CAA. GRCh37 (hg19) VCF-style: chr1-216219885-C-CAA.
Other names: short protein forms L2071fs.
Identifiers: ClinVar variation 1374602 (VCV001374602.6), dbSNP rs2102524917, ClinGen allele CA2573131619.

ClinVar aggregate classification (germline): Pathogenic (1 of 4 stars; one submission).

Submission:

Labcorp Genetics (formerly Invitae), Labcorp
Classification: Pathogenic. Last evaluated: 2022-03-09. Review status: criteria provided, single submitter. Criteria: Invitae Variant Classification Sherloc (09022015). Collection method: clinical testing. Allele origin: germline.
Comment: For these reasons, this variant has been classified as Pathogenic. This variant has not been reported in the literature in individuals affected with USH2A-related conditions. This variant is not present in population databases (gnomAD no frequency). This sequence change creates a premature translational stop signal (p.Leu2071Phefs*16) in the USH2A gene. It is expected to result in an absent or disrupted protein product. Loss-of-function variants in USH2A are known to be pathogenic (PMID: 10729113, 10909849, 20507924, 25649381).

Literature cited by the submitters: PubMed 10729113; PubMed 10909849; PubMed 20507924; PubMed 25649381.